The following is an entry in ClinVar:

ClinVar aggregate classification (germline): Uncertain significance. Review status: criteria provided, multiple submitters, no conflicts (2 of 4 stars). 3 submissions from 3 submitters: Uncertain significance (3). Last evaluated 2023-10-19.

Conditions:
Hereditary cancer-predisposing syndrome. Also called: Neoplastic Syndromes, Hereditary; Tumor predisposition; Hereditary Cancer Syndrome; Hereditary neoplastic syndrome. Identifiers: Orphanet 140162, MedGen C0027672, MeSH D009386, MONDO:0015356.
Hereditary nonpolyposis colorectal neoplasms. Identifiers: MedGen C0009405, MeSH D003123.
Endometrial carcinoma. Also called: Endometrial carcinoma, somatic. Identifiers: MedGen C0476089, MONDO:0002447, OMIM 608089, HP:0012114.

Allele frequency attached by ClinVar (database versions not stated): gnomAD exomes below 0.00001.
gnomAD v4.1: 1 of 1,614,076 alleles (0.000062%); highest among the groups gnomAD compares: East Asian, 0.0022%; no homozygotes.

Submissions (3):

Baylor Genetics
Classification: Uncertain significance for Endometrial carcinoma. Last evaluated: 2023-10-19. Review status: criteria provided, single submitter. Criteria: ACMG Guidelines, 2015. Collection method: clinical testing. Allele origin: unknown.

Labcorp Genetics (formerly Invitae), Labcorp
Classification: Uncertain significance for Hereditary nonpolyposis colorectal neoplasms. Last evaluated: 2022-08-23. Review status: criteria provided, single submitter. Criteria: Invitae Variant Classification Sherloc (09022015). Collection method: clinical testing. Allele origin: germline.
Comment: This variant is not present in population databases (gnomAD no frequency). This sequence change replaces leucine, which is neutral and non-polar, with phenylalanine, which is neutral and non-polar, at codon 1081 of the MSH6 protein (p.Leu1081Phe). This missense change has been observed in individual(s) with non-medullary thyroid cancer (PMID: 26530882). ClinVar contains an entry for this variant (Variation ID: 920941). Advanced modeling of protein sequence and biophysical properties (such as structural, functional, and spatial information, amino acid conservation, physicochemical variation, residue mobility, and thermodynamic stability) performed at Invitae indicates that this missense variant is not expected to disrupt MSH6 protein function. In summary, the available evidence is currently insufficient to determine the role of this variant in disease. Therefore, it has been classified as a Variant of Uncertain Significance.

Color Diagnostics, LLC DBA Color Health
Classification: Uncertain significance for Hereditary cancer-predisposing syndrome. Last evaluated: 2020-03-17. Review status: criteria provided, single submitter. Criteria: ACMG Guidelines, 2015. Collection method: clinical testing. Allele origin: germline.
Comment: This missense variant replaces leucine with phenylalanine at codon 1081 of the MSH6 protein. Computational prediction suggests that this variant may not impact protein structure and function (internally defined REVEL score threshold <= 0.5, PMID: 27666373). Splice site prediction tools suggest that this variant may not impact RNA splicing. To our knowledge, functional studies have not been reported for this variant. This variant has not been reported in individuals affected with hereditary cancer in the literature. This variant has not been identified in the general population by the Genome Aggregation Database (gnomAD). The available evidence is insufficient to determine the role of this variant in disease conclusively. Therefore, this variant is classified as a Variant of Uncertain Significance.

Literature cited by the submitters: PubMed 26530882 (cited by Labcorp Genetics (formerly Invitae), Labcorp).

NM_000179.3(MSH6):c.3243G>C (p.Leu1081Phe)

Gene: MSH6 (mutS homolog 6; plus strand). Cytogenetic location: 2p16.3.
Variant type: single nucleotide variant.
Coding change: c.3243G>C on transcript NM_000179.3 (MANE Select); coding-DNA position 3243, G replaced by C.
Protein change: p.Leu1081Phe; replaces leucine 1081 with phenylalanine.
Molecular consequence: missense variant.
Genome position (GRCh38, 1-based): chr2:47,803,490, G>C. VCF-style: chr2-47803490-G-C. GRCh37 (hg19) VCF-style: chr2-48030629-G-C.
Other names: c.2853G>C, p.Leu951Phe (NM_001281492.2); c.2337G>C, p.Leu779Phe (NM_001281493.2, NM_001281494.2); short protein forms L1081F, L951F, L779F.
Identifiers: ClinVar variation 920941 (VCV000920941.12), dbSNP rs1553331352, ClinGen allele CA346758104.